The following is an entry in ClinVar:

ClinVar aggregate classification (germline): Likely benign (1 of 4 stars; one submission).

gnomAD v4.1: 5 of 1,238,776 alleles (0.0004%); highest among the groups gnomAD compares: Non-Finnish European, 0.0005%; no homozygotes.

Submission:

GeneDx
Classification: Likely benign. Last evaluated: 2016-08-04. Review status: criteria provided, single submitter. Criteria: GeneDx Variant Classification (06012015). Collection method: clinical testing. Allele origin: germline. Affected: yes.
Comment: This variant is considered likely benign or benign based on one or more of the following criteria: it is a conservative change, it occurs at a poorly conserved position in the protein, it is predicted to be benign by multiple in silico algorithms, and/or has population frequency not consistent with disease.

NM_000093.5(COL5A1):c.-33G>T

Gene: COL5A1 (collagen type V alpha 1 chain; plus strand). Cytogenetic location: 9q34.3.
Variant type: single nucleotide variant.
Coding change: c.-33G>T on transcript NM_000093.5 (MANE Select); 33 bases upstream of the start codon, G replaced by T.
Molecular consequence: 5 prime UTR variant.
Genome position (GRCh38, 1-based): chr9:134,642,155, G>T. VCF-style: chr9-134642155-G-T. GRCh37 (hg19) VCF-style: chr9-137534001-G-T.
Other names: c.-33G>T (NM_001278074.1).
Identifiers: ClinVar variation 388399 (VCV000388399.1), dbSNP rs1057523091, ClinGen allele CA16605656.